The following is an entry in ClinVar:

NM_001457.4(FLNB):c.3572C>A (p.Ala1191Glu)

Gene: FLNB (filamin B; plus strand). Cytogenetic location: 3p14.3.
Variant type: single nucleotide variant.
Coding change: c.3572C>A on transcript NM_001457.4 (MANE Select); coding-DNA position 3572, C replaced by A.
Protein change: p.Ala1191Glu; replaces alanine 1191 with glutamic acid.
Molecular consequence: missense variant.
Genome position (GRCh38, 1-based): chr3:58,123,538, C>A. VCF-style: chr3-58123538-C-A. GRCh37 (hg19) VCF-style: chr3-58109265-C-A.
Other names: c.3572C>A, p.Ala1191Glu (NM_001164317.2, NM_001164318.2, NM_001164319.2); short protein forms A1191E.
Identifiers: ClinVar variation 3616563 (VCV003616563.2).

ClinVar aggregate classification (germline): Uncertain significance (1 of 4 stars; one submission).

gnomAD v4.1: 1 of 1,607,590 alleles (0.000062%); no homozygotes.

Submission:

Labcorp Genetics (formerly Invitae), Labcorp
Classification: Uncertain significance. Last evaluated: 2024-08-05. Review status: criteria provided, single submitter. Criteria: Invitae Variant Classification Sherloc (09022015). Collection method: clinical testing. Allele origin: germline.
Comment: This sequence change replaces alanine, which is neutral and non-polar, with glutamic acid, which is acidic and polar, at codon 1191 of the FLNB protein (p.Ala1191Glu). This variant is not present in population databases (gnomAD no frequency). This variant has not been reported in the literature in individuals affected with FLNB-related conditions. Advanced modeling of protein sequence and biophysical properties (such as structural, functional, and spatial information, amino acid conservation, physicochemical variation, residue mobility, and thermodynamic stability) performed at Invitae indicates that this missense variant is not expected to disrupt FLNB protein function with a negative predictive value of 95%. In summary, the available evidence is currently insufficient to determine the role of this variant in disease. Therefore, it has been classified as a Variant of Uncertain Significance.